The following is an entry in ClinVar:

NM_000138.5(FBN1):c.213_216dup (p.Thr73fs)

Gene: FBN1 (fibrillin 1; minus strand). Cytogenetic location: 15q21.1.
Variant type: Duplication.
Coding change: c.213_216dup on transcript NM_000138.5 (MANE Select); coding-DNA positions 213 to 216, 4 bases duplicated (GAAA; older notation c.213_216dupGAAA).
Protein change: p.Thr73fs; shifts the reading frame from threonine 73.
Molecular consequence: frameshift variant.
Genome position (GRCh38, 1-based): chr15:48,613,041-48,613,044, TTTC duplicated on the plus strand (GAAA on the coding strand, the reverse complement: FBN1 is on the minus strand). VCF-style (leftmost placement, unchanged base first): chr15-48613040-T-TTTTC. GRCh37 (hg19) VCF-style: chr15-48905237-T-TTTTC.
Other names: c.213_216dup, p.Thr73fs (NM_001406716.1, NM_001406717.1); short protein forms T73fs.
Identifiers: ClinVar variation 4786666 (VCV004786666.1).
Genomic context (GRCh38, chr15:48,613,040, plus strand): 5'-TGCAGAATGACAAGTTTTCTATTTACTTACGGACAATACACTGATTTCCGCCAGGTAAGG[T>TTTTC]TTTCCATCCAGGGCAACAGTAAGCATTATAACGTGATCCACAGACATTGGGTCTAAAACA-3'

ClinVar aggregate classification (germline): Pathogenic (1 of 4 stars; one submission).

Conditions:
Marfan syndrome (MFS). Also called: FBN1-Related Marfan Syndrome; MARFAN SYNDROME, TYPE I; Marfan syndrome type 1; Marfan's syndrome; Marfan syndrome, classic. Identifiers: Orphanet 284963, Orphanet 558, MedGen C0024796, MONDO:0007947, OMIM 154700.
Familial thoracic aortic aneurysm and aortic dissection (TAAD). Also called: Thoracic aortic aneurysms and dissections. Identifiers: Orphanet 91387, MedGen C4707243, MONDO:0019625.

Submission:

Labcorp Genetics (formerly Invitae), Labcorp
Classification: Pathogenic for Marfan syndrome; Familial thoracic aortic aneurysm and aortic dissection. Last evaluated: 2025-11-10. Review status: criteria provided, single submitter. Criteria: Invitae Variant Classification Sherloc (09022015). Collection method: clinical testing. Allele origin: germline.
Comment: This sequence change creates a premature translational stop signal (p.Thr73Glufs*57) in the FBN1 gene. It is expected to result in an absent or disrupted protein product. Loss-of-function variants in FBN1 are known to be pathogenic (PMID: 17657824, 19293843). This variant is not present in population databases (gnomAD no frequency). This variant has not been reported in the literature in individuals affected with FBN1-related conditions. For these reasons, this variant has been classified as Pathogenic.

Literature cited by the submitters: PubMed 17657824; PubMed 19293843.